The following is an entry in ClinVar:

ClinVar aggregate classification (germline): Uncertain significance (1 of 4 stars; one submission).

Conditions:
Hereditary cancer-predisposing syndrome. Also called: Neoplastic Syndromes, Hereditary; Tumor predisposition; Hereditary Cancer Syndrome; Hereditary neoplastic syndrome. Identifiers: Orphanet 140162, MedGen C0027672, MeSH D009386, MONDO:0015356.

gnomAD v4.1: 2 of 1,604,314 alleles (0.00012%); highest among the groups gnomAD compares: African/African-American, 0.0027%; no homozygotes.

Submission:

Ambry Genetics
Classification: Uncertain significance for Hereditary cancer-predisposing syndrome. Last evaluated: 2022-08-05. Review status: criteria provided, single submitter. Criteria: Ambry Variant Classification Scheme 2023. Collection method: clinical testing. Allele origin: germline.
Comment: The p.F746I variant (also known as c.2236T>A), located in coding exon 13 of the PMS2 gene, results from a T to A substitution at nucleotide position 2236. The phenylalanine at codon 746 is replaced by isoleucine, an amino acid with highly similar properties. This amino acid position is conserved. In addition, this alteration is predicted to be deleterious by in silico analysis. Since supporting evidence is limited at this time, the clinical significance of this alteration remains unclear.

NM_000535.7(PMS2):c.2236T>A (p.Phe746Ile)

Gene: PMS2 (PMS1 homolog 2, mismatch repair system component; minus strand). Cytogenetic location: 7p22.1.
Variant type: single nucleotide variant.
Coding change: c.2236T>A on transcript NM_000535.7 (MANE Select); coding-DNA position 2236, T replaced by A.
Protein change: p.Phe746Ile; replaces phenylalanine 746 with isoleucine.
Molecular consequence: missense variant. On other transcripts: non-coding transcript variant (1).
Genome position (GRCh38, 1-based): chr7:5,978,635, A>T on the plus strand (T>A on the coding strand, the complement: PMS2 is on the minus strand). VCF-style: chr7-5978635-A-T. GRCh37 (hg19) VCF-style: chr7-6018266-A-T.
Other names: c.1831T>A, p.Phe611Ile (NM_001018040.1, NM_001322003.2, NM_001322004.2 and 15 more transcripts); c.2080T>A, p.Phe694Ile (NM_001322006.2, NM_001406870.1); c.1918T>A, p.Phe640Ile (NM_001322007.2, NM_001322008.2, NM_001406876.1 and 1 more transcripts); c.1675T>A, p.Phe559Ile (NM_001322010.2, NM_001406906.1, NM_001406907.1); c.1303T>A, p.Phe435Ile (NM_001322011.2, NM_001322012.2); c.1663T>A, p.Phe555Ile (NM_001322013.2, NM_001406908.1, NM_001406909.1); c.2236T>A, p.Phe746Ile (NM_001322014.2); c.1927T>A, p.Phe643Ile (NM_001322015.2, NM_001406875.1, NM_001406877.1 and 5 more transcripts); and 14 more; short protein forms F435I, F624I, F690I, F694I, F754I, F345I, F559I, F588I.
Identifiers: ClinVar variation 1788197 (VCV001788197.2), dbSNP rs753535192, ClinGen allele CA366736656.